The following is an entry in ClinVar:

NM_005751.5(AKAP9):c.3118A>G (p.Lys1040Glu)

Gene: AKAP9 (A-kinase anchoring protein 9; plus strand). Cytogenetic location: 7q21.2.
Variant type: single nucleotide variant.
Coding change: c.3118A>G on transcript NM_005751.5 (MANE Select); coding-DNA position 3118, A replaced by G.
Protein change: p.Lys1040Glu; replaces lysine 1040 with glutamic acid.
Molecular consequence: missense variant.
Genome position (GRCh38, 1-based): chr7:92,003,035, A>G. VCF-style: chr7-92003035-A-G. GRCh37 (hg19) VCF-style: chr7-91632349-A-G.
Other names: c.3118A>G, p.Lys1040Glu (NM_147185.3); short protein forms K1040E.
Identifiers: ClinVar variation 457096 (VCV000457096.13), dbSNP rs1265369157, ClinGen allele CA368125674.
Genomic context (GRCh38, chr7:92,003,035, plus strand): 5'-TTAGATGGAGTTGTGACCATGACAAGCAGGGGTGCTGAAGGATCAGTTTCTAAAGTAAAT[A>G]AAAGTTTTGGTGAAGAATCAAAAATAATGGTGGAAGATAAAGTTTCTTTTGAAAATATGA-3'
Protein context (NP_005742.4, residues 1030-1050): GAEGSVSKVN[Lys1040Glu]SFGEESKIMV

ClinVar aggregate classification (germline): Conflicting classifications of pathogenicity. Review status: criteria provided, conflicting classifications (1 of 4 stars). 3 submissions from 3 submitters: Uncertain significance (2); Likely benign (1). Last evaluated 2024-12-23.

Conditions:
Cardiovascular phenotype. Identifiers: MedGen CN230736.
Long QT syndrome (LQTS). Identifiers: MedGen C0023976, MeSH D008133, MONDO:0002442. Disease mechanism: loss of function. Inheritance: Various modes of inheritance.
Long QT syndrome 11 (LQT11). Identifiers: Orphanet 101016, Orphanet 768, MedGen C2678483, MONDO:0012738, OMIM 611820.

Allele frequency attached by ClinVar (database versions not stated): gnomAD exomes below 0.00001.
gnomAD v4.1: 4 of 1,613,422 alleles (0.00025%); highest among the groups gnomAD compares: Admixed American, 0.0033%; no homozygotes.

Submissions (3):

Ambry Genetics
Classification: Likely benign for Cardiovascular phenotype. Last evaluated: 2024-12-23. Review status: criteria provided, single submitter. Criteria: Ambry Variant Classification Scheme 2023. Collection method: clinical testing. Allele origin: germline.

Labcorp Genetics (formerly Invitae), Labcorp
Classification: Uncertain significance for Long QT syndrome. Last evaluated: 2024-02-08. Review status: criteria provided, single submitter. Criteria: Invitae Variant Classification Sherloc (09022015). Collection method: clinical testing. Allele origin: germline.
Comment: This sequence change replaces lysine, which is basic and polar, with glutamic acid, which is acidic and polar, at codon 1040 of the AKAP9 protein (p.Lys1040Glu). This variant is present in population databases (no rsID available, gnomAD no frequency). This variant has not been reported in the literature in individuals affected with AKAP9-related conditions. ClinVar contains an entry for this variant (Variation ID: 457096). Algorithms developed to predict the effect of missense changes on protein structure and function output the following: SIFT: "Not Available"; PolyPhen-2: "Benign"; Align-GVGD: "Not Available". The glutamic acid amino acid residue is found in multiple mammalian species, which suggests that this missense change does not adversely affect protein function. In summary, the available evidence is currently insufficient to determine the role of this variant in disease. Therefore, it has been classified as a Variant of Uncertain Significance.

Fulgent Genetics
Classification: Uncertain significance for Long QT syndrome 11. Last evaluated: 2018-10-31. Review status: criteria provided, single submitter. Criteria: ACMG Guidelines, 2015. Collection method: clinical testing. Allele origin: unknown.